The following is an entry in ClinVar:

ClinVar aggregate classification (germline): Uncertain significance. Review status: criteria provided, multiple submitters, no conflicts (2 of 4 stars). 2 submissions from 2 submitters: Uncertain significance (2). Last evaluated 2024-05-11.

Conditions:
Desmin-related myofibrillar myopathy (MFM1). Also called: Desminopathy; Myofibrillar myopathy 1; MYOFIBRILLAR MYOPATHY WITH ARRHYTHMOGENIC RIGHT VENTRICULAR CARDIOMYOPATHY; DESMIN-RELATED MYOPATHY WITH ARRHYTHMOGENIC RIGHT VENTRICULAR CARDIOMYOPATHY; Desmin related myopathy (former name); Desmin storage myopathy (former name). Identifiers: Orphanet 363543, Orphanet 98909, MedGen C1832370, MONDO:0011076, OMIM 601419.
Cardiovascular phenotype. Identifiers: MedGen CN230736.

Allele frequency attached by ClinVar (database versions not stated): gnomAD exomes below 0.00001; gnomAD 0.00001; TOPMed 0.00003.

Submissions (2):

Ambry Genetics
Classification: Uncertain significance for Cardiovascular phenotype. Last evaluated: 2024-05-11. Review status: criteria provided, single submitter. Criteria: Ambry Variant Classification Scheme 2023. Collection method: clinical testing. Allele origin: germline.
Comment: The p.R375Q variant (also known as c.1124G>A), located in coding exon 6 of the DES gene, results from a G to A substitution at nucleotide position 1124. The arginine at codon 375 is replaced by glutamine, an amino acid with highly similar properties. This amino acid position is conserved. In addition, the in silico prediction for this alteration is inconclusive. Based on the available evidence, the clinical significance of this variant remains unclear.

Labcorp Genetics (formerly Invitae), Labcorp
Classification: Uncertain significance for Desmin-related myofibrillar myopathy. Last evaluated: 2023-07-25. Review status: criteria provided, single submitter. Criteria: Invitae Variant Classification Sherloc (09022015). Collection method: clinical testing. Allele origin: germline.
Comment: This variant is present in population databases (no rsID available, gnomAD 0.003%). This sequence change replaces arginine, which is basic and polar, with glutamine, which is neutral and polar, at codon 375 of the DES protein (p.Arg375Gln). In summary, the available evidence is currently insufficient to determine the role of this variant in disease. Therefore, it has been classified as a Variant of Uncertain Significance. Advanced modeling of protein sequence and biophysical properties (such as structural, functional, and spatial information, amino acid conservation, physicochemical variation, residue mobility, and thermodynamic stability) has been performed at Invitae for this missense variant, however the output from this modeling did not meet the statistical confidence thresholds required to predict the impact of this variant on DES protein function. ClinVar contains an entry for this variant (Variation ID: 2195585). This variant has not been reported in the literature in individuals affected with DES-related conditions.

NM_001927.4(DES):c.1124G>A (p.Arg375Gln)

Gene: DES (desmin; plus strand). Cytogenetic location: 2q35.
Variant type: single nucleotide variant.
Coding change: c.1124G>A on transcript NM_001927.4 (MANE Select); coding-DNA position 1124, G replaced by A.
Protein change: p.Arg375Gln; replaces arginine 375 with glutamine.
Molecular consequence: missense variant. On other transcripts: intron variant (1).
Genome position (GRCh38, 1-based): chr2:219,421,440, G>A. VCF-style: chr2-219421440-G-A. GRCh37 (hg19) VCF-style: chr2-220286162-G-A.
Other names: c.1121G>A, p.Arg374Gln (NM_001382708.1); c.1055G>A, p.Arg352Gln (NM_001382710.1); c.1103G>A, p.Arg368Gln (NM_001382711.1); c.1124G>A, p.Arg375Gln (NM_001382712.1); c.854G>A, p.Arg285Gln (NM_001382713.1); c.736-44G>A (NM_001382709.1); short protein forms R368Q, R285Q, R352Q, R375Q, R374Q.
Identifiers: ClinVar variation 2195585 (VCV002195585.5), dbSNP rs978282015, ClinGen allele CA65983588.
Genomic context (GRCh38, chr2:219,421,440, plus strand): 5'-GATTTGCCAGTGAGGCCAGTGGCTACCAGGACAACATTGCGCGCCTGGAGGAGGAAATCC[G>A]GCACCTCAAGGATGAGATGGCCCGCCATCTGCGCGAGTACCAGGACCTGCTCAACGTGAA-3'
Protein context (NP_001918.3, residues 365-385): DNIARLEEEI[Arg375Gln]HLKDEMARHL